The following is an entry in ClinVar:

NM_000452.3(SLC10A2):c.233T>C (p.Ile78Thr)

Gene: SLC10A2 (solute carrier family 10 member 2; minus strand). Cytogenetic location: 13q33.1.
Variant type: single nucleotide variant.
Coding change: c.233T>C on transcript NM_000452.3 (MANE Select); coding-DNA position 233, T replaced by C.
Protein change: p.Ile78Thr; replaces isoleucine 78 with threonine.
Molecular consequence: missense variant.
Genome position (GRCh38, 1-based): chr13:103,066,017, A>G on the plus strand (T>C on the coding strand, the complement: SLC10A2 is on the minus strand). VCF-style: chr13-103066017-A-G. GRCh37 (hg19) VCF-style: chr13-103718367-A-G.
Other names: short protein forms I78T.
Identifiers: ClinVar variation 4772161 (VCV004772161.1).

ClinVar aggregate classification (germline): Uncertain significance (1 of 4 stars; one submission).

gnomAD v4.1: 2 of 1,613,994 alleles (0.00012%); highest among the groups gnomAD compares: Admixed American, 0.0017%; no homozygotes.

Submission:

Labcorp Genetics (formerly Invitae), Labcorp
Classification: Uncertain significance. Last evaluated: 2025-07-29. Review status: criteria provided, single submitter. Criteria: Invitae Variant Classification Sherloc (09022015). Collection method: clinical testing. Allele origin: germline.
Comment: This sequence change replaces isoleucine, which is neutral and non-polar, with threonine, which is neutral and polar, at codon 78 of the SLC10A2 protein (p.Ile78Thr). This variant is present in population databases (no rsID available, gnomAD 0.003%). This variant has not been reported in the literature in individuals affected with SLC10A2-related conditions. Invitae Evidence Modeling of protein sequence and biophysical properties (such as structural, functional, and spatial information, amino acid conservation, physicochemical variation, residue mobility, and thermodynamic stability) has been performed for this missense variant. However, the output from this modeling did not meet the statistical confidence thresholds required to predict the impact of this variant on SLC10A2 protein function. In summary, the available evidence is currently insufficient to determine the role of this variant in disease. Therefore, it has been classified as a Variant of Uncertain Significance.